The following is an entry in ClinVar:

ClinVar aggregate classification (germline): Uncertain significance. Review status: criteria provided, multiple submitters, no conflicts (2 of 4 stars). 2 submissions from 2 submitters: Uncertain significance (2). Last evaluated 2025-11-03.

Allele frequency attached by ClinVar (database versions not stated): gnomAD exomes below 0.00001; TOPMed below 0.00001; gnomAD 0.00001.
gnomAD v4.1: 5 of 1,613,978 alleles (0.00031%); highest among the groups gnomAD compares: African/African-American, 0.0013%; no homozygotes.

Submissions (2):

Ambry Genetics
Classification: Uncertain significance. Last evaluated: 2025-11-03. Review status: criteria provided, single submitter. Criteria: Ambry Variant Classification Scheme 2023. Collection method: clinical testing. Allele origin: germline.

Labcorp Genetics (formerly Invitae), Labcorp
Classification: Uncertain significance. Last evaluated: 2024-09-26. Review status: criteria provided, single submitter. Criteria: Invitae Variant Classification Sherloc (09022015). Collection method: clinical testing. Allele origin: germline.
Comment: This sequence change replaces proline, which is neutral and non-polar, with leucine, which is neutral and non-polar, at codon 609 of the VAV1 protein (p.Pro609Leu). This variant is present in population databases (rs796871083, gnomAD 0.007%). This variant has not been reported in the literature in individuals affected with VAV1-related conditions. An algorithm developed to predict the effect of missense changes on protein structure and function (PolyPhen-2) suggests that this variant is likely to be disruptive. In summary, the available evidence is currently insufficient to determine the role of this variant in disease. Therefore, it has been classified as a Variant of Uncertain Significance.

NM_005428.4(VAV1):c.1826C>T (p.Pro609Leu)

Gene: VAV1 (vav guanine nucleotide exchange factor 1; plus strand). Cytogenetic location: 19p13.3.
Variant type: single nucleotide variant.
Coding change: c.1826C>T on transcript NM_005428.4 (MANE Select); coding-DNA position 1826, C replaced by T.
Protein change: p.Pro609Leu; replaces proline 609 with leucine.
Molecular consequence: missense variant.
Genome position (GRCh38, 1-based): chr19:6,836,480, C>T. VCF-style: chr19-6836480-C-T. GRCh37 (hg19) VCF-style: chr19-6836491-C-T.
Other names: c.1826C>T, p.Pro609Leu (NM_001258206.2); c.1730C>T, p.Pro577Leu (NM_001258207.2); c.1826C>T (NM_005428.2); short protein forms P577L, P609L.
Identifiers: ClinVar variation 2899119 (VCV002899119.4), dbSNP rs796871083, ClinGen allele CA304816024.